The following is an entry in ClinVar:

ClinVar aggregate classification (germline): Uncertain significance. Review status: criteria provided, multiple submitters, no conflicts (2 of 4 stars). 2 submissions from 2 submitters: Uncertain significance (2). Last evaluated 2025-04-10.

Allele frequency attached by ClinVar (database versions not stated): ExAC 0.00002; gnomAD exomes 0.00003; TOPMed 0.00003; gnomAD 0.00005; ESP Exome Variant Server 0.00008.

Submissions (2):

Ambry Genetics
Classification: Uncertain significance. Last evaluated: 2025-04-10. Review status: criteria provided, single submitter. Criteria: Ambry Variant Classification Scheme 2023. Collection method: clinical testing. Allele origin: germline.

Labcorp Genetics (formerly Invitae), Labcorp
Classification: Uncertain significance. Last evaluated: 2024-06-03. Review status: criteria provided, single submitter. Criteria: Invitae Variant Classification Sherloc (09022015). Collection method: clinical testing. Allele origin: germline.
Comment: This sequence change replaces asparagine, which is neutral and polar, with serine, which is neutral and polar, at codon 609 of the KANK2 protein (p.Asn609Ser). This variant is present in population databases (rs367879167, gnomAD 0.02%). This variant has not been reported in the literature in individuals affected with KANK2-related conditions. ClinVar contains an entry for this variant (Variation ID: 1982014). Algorithms developed to predict the effect of missense changes on protein structure and function output the following: SIFT: "Not Available"; PolyPhen-2: "Benign"; Align-GVGD: "Not Available". The serine amino acid residue is found in multiple mammalian species, which suggests that this missense change does not adversely affect protein function. In summary, the available evidence is currently insufficient to determine the role of this variant in disease. Therefore, it has been classified as a Variant of Uncertain Significance.

NM_001136191.3(KANK2):c.1826A>G (p.Asn609Ser)

Gene: KANK2 (KN motif and ankyrin repeat domains 2; minus strand). Cytogenetic location: 19p13.2.
Variant type: single nucleotide variant.
Coding change: c.1826A>G on transcript NM_001136191.3 (MANE Select); coding-DNA position 1826, A replaced by G.
Protein change: p.Asn609Ser; replaces asparagine 609 with serine.
Molecular consequence: missense variant.
Genome position (GRCh38, 1-based): chr19:11,175,924, T>C on the plus strand (A>G on the coding strand, the complement: KANK2 is on the minus strand). VCF-style: chr19-11175924-T-C. GRCh37 (hg19) VCF-style: chr19-11286600-T-C.
Other names: c.1850A>G, p.Asn617Ser (NM_001379554.1, NM_015493.7, NM_001379550.1 and 5 more transcripts); c.1826A>G, p.Asn609Ser (NM_001379555.1, NM_001379556.1, NM_001379557.1 and 7 more transcripts); c.1850A>G (NM_015493.6); short protein forms N609S, N617S.
Identifiers: ClinVar variation 1982014 (VCV001982014.5), dbSNP rs367879167, ClinGen allele CA9205517.
Genomic context (GRCh38, chr19:11,175,924, plus strand): 5'-CGGGGGGTGGCCAACCTAGGCCCAGGGCCAGATCGTACCAGCTCCCGCTCTGTGAGGGCG[T>C]TGGGATTGTCCAGGTACTTTTCCAGGGCCAAGCAGGCTGAGATGAGGTCAGGGCTTAGCT-3'
Protein context (NP_001129663.1, residues 599-619): LALEKYLDNP[Asn609Ser]ALTERELKVA